The following is an entry in ClinVar:

NC_000002.11:g.(?_17941211)_(17959340_?)dup

Gene: GEN1 (GEN1 Holliday junction 5' flap endonuclease; plus strand). Cytogenetic location: 2p24.2.
Variant type: Duplication.
Identifiers: ClinVar variation 2427590 (VCV002427590.4).

ClinVar aggregate classification (germline): Uncertain significance (1 of 4 stars; one submission).

Submission:

Labcorp Genetics (formerly Invitae), Labcorp
Classification: Uncertain significance. Last evaluated: 2021-12-12. Review status: criteria provided, single submitter. Criteria: Invitae Variant Classification Sherloc (09022015). Collection method: clinical testing. Allele origin: germline.
Comment: This variant results in a copy number gain of the genomic region encompassing exon(s) 2-12 of the GEN1 gene. This region includes the initiator codon of the gene. This copy number gain extends beyond the assayed region for this gene and therefore may encompass additional genes. As the precise location of this event is unknown, it may be in tandem or it may be located elsewhere in the genome. This variant has not been reported in the literature in individuals affected with GEN1-related conditions. In summary, the available evidence is currently insufficient to determine the role of this variant in disease. Therefore, it has been classified as a Variant of Uncertain Significance. Experimental studies and prediction algorithms are not available or were not evaluated, and the functional significance of this variant is currently unknown.